The following is an entry in ClinVar:

NM_000374.5(UROD):c.745C>T (p.Arg249Trp)

Gene: UROD (uroporphyrinogen decarboxylase; plus strand). Cytogenetic location: 1p34.1.
Variant type: single nucleotide variant.
Coding change: c.745C>T on transcript NM_000374.5 (MANE Select); coding-DNA position 745, C replaced by T.
Protein change: p.Arg249Trp; replaces arginine 249 with tryptophan.
Molecular consequence: missense variant. On other transcripts: non-coding transcript variant (3).
Genome position (GRCh38, 1-based): chr1:45,014,547, C>T. VCF-style: chr1-45014547-C-T. GRCh37 (hg19) VCF-style: chr1-45480219-C-T.
Other names: short protein forms R249W.
Identifiers: ClinVar variation 875267 (VCV000875267.10), dbSNP rs137978913, ClinGen allele CA825325.

ClinVar aggregate classification (germline): Uncertain significance. Review status: criteria provided, multiple submitters, no conflicts (2 of 4 stars). 3 submissions from 3 submitters: Uncertain significance (3). Last evaluated 2025-08-18.

Conditions:
Familial porphyria cutanea tarda (PCT). Also called: PCT, ''FAMILIAL'' TYPE; PCT, TYPE II; PORPHYRIA CUTANEA TARDA, TYPE II; PORPHYRIA, HEPATOCUTANEOUS TYPE; UROD DEFICIENCY; UROPORPHYRINOGEN DECARBOXYLASE DEFICIENCY. Identifiers: Orphanet 101330, Orphanet 443062, MedGen C0268323, MONDO:0008296, OMIM 176100.
UROD-related disorder. Also called: UROD-related disorders; UROD-related condition.

Allele frequency attached by ClinVar (database versions not stated): ESP Exome Variant Server 0.00015; ExAC 0.00022; gnomAD exomes 0.00008 and 0.00014; gnomAD 0.00009 and 0.00010; TOPMed 0.00012.
gnomAD v4.1: 127 of 1,614,060 alleles (0.0079%); highest among the groups gnomAD compares: Middle Eastern, 0.016%; no homozygotes.

Submissions (3):

Labcorp Genetics (formerly Invitae), Labcorp
Classification: Uncertain significance. Last evaluated: 2025-08-18. Review status: criteria provided, single submitter. Criteria: Invitae Variant Classification Sherloc (09022015). Collection method: clinical testing. Allele origin: germline.
Comment: This sequence change replaces arginine, which is basic and polar, with tryptophan, which is neutral and slightly polar, at codon 249 of the UROD protein (p.Arg249Trp). This variant is present in population databases (rs137978913, gnomAD 0.03%). This missense change has been observed in individual(s) with clinical features of porphyria cutanea tarda (PMID: 19233912). ClinVar contains an entry for this variant (Variation ID: 875267). An algorithm developed to predict the effect of missense changes on protein structure and function (PolyPhen-2) suggests that this variant is likely to be disruptive. Algorithms developed to predict the effect of sequence changes on RNA splicing suggest that this variant may disrupt the consensus splice site. In summary, the available evidence is currently insufficient to determine the role of this variant in disease. Therefore, it has been classified as a Variant of Uncertain Significance.

PreventionGenetics, part of Exact Sciences
Classification: Uncertain significance for UROD-related condition. Last evaluated: 2025-07-02. Review status: criteria provided, single submitter. Criteria: ACMG Guidelines, 2015. Collection method: clinical testing. Allele origin: germline.
Comment: The UROD c.745C>T variant is predicted to result in the amino acid substitution p.Arg249Trp. This variant was observed in 3 individuals with porphyria cutanea tarda, although the pathogenicity of this variant was undetermined (Aarsand et al. 2009. PubMed ID: 19233912). This variant is reported in 0.024% of alleles in individuals of European (Non-Finnish) descent in gnomAD. At this time, the clinical significance of this variant is uncertain due to the absence of conclusive functional and genetic evidence.

Illumina Laboratory Services, Illumina
Classification: Uncertain significance for Familial porphyria cutanea tarda. Last evaluated: 2017-04-28. Review status: criteria provided, single submitter. Criteria: ICSL Variant Classification Criteria 13 December 2019. Collection method: clinical testing. Allele origin: germline.
Comment: This variant was observed as part of a predisposition screen in an ostensibly healthy population. A literature search was performed for the gene, cDNA change, and amino acid change (where applicable). Publications were found based on this search. However, the evidence from the literature, in combination with allele frequency data from public databases where available, was not sufficient to rule this variant in or out of causing disease. Therefore, this variant is classified as a variant of unknown significance.

Literature cited by the submitters: PubMed 19233912 (cited by Labcorp Genetics (formerly Invitae), Labcorp and Illumina Laboratory Services, Illumina); PubMed 24777812 (cited by Illumina Laboratory Services, Illumina).